The following is an entry in ClinVar:

NM_015909.4(NBAS):c.6325G>A (p.Val2109Met)

Gene: NBAS (NBAS subunit of NRZ tethering complex; minus strand). Cytogenetic location: 2p24.3.
Variant type: single nucleotide variant.
Coding change: c.6325G>A on transcript NM_015909.4 (MANE Select); coding-DNA position 6325, G replaced by A.
Protein change: p.Val2109Met; replaces valine 2109 with methionine.
Molecular consequence: missense variant.
Genome position (GRCh38, 1-based): chr2:15,218,880, C>T on the plus strand (G>A on the coding strand, the complement: NBAS is on the minus strand). VCF-style: chr2-15218880-C-T. GRCh37 (hg19) VCF-style: chr2-15359004-C-T.
Other names: c.6325G>A (NM_015909.2); short protein forms V2109M.
Identifiers: ClinVar variation 1413595 (VCV001413595.6), dbSNP rs779617869, ClinGen allele CA1535036.

ClinVar aggregate classification (germline): Uncertain significance. Review status: criteria provided, multiple submitters, no conflicts (2 of 4 stars). 2 submissions from 2 submitters: Uncertain significance (2). Last evaluated 2024-12-16.

Conditions:
Inborn genetic diseases. Identifiers: MedGen C0950123, MeSH D030342.

Allele frequency attached by ClinVar (database versions not stated): gnomAD 0.00002; TOPMed 0.00002; gnomAD exomes 0.00001; ExAC 0.00002.
gnomAD v4.1: 44 of 1,614,144 alleles (0.0027%); highest among the groups gnomAD compares: Non-Finnish European, 0.0036%; no homozygotes.

Submissions (2):

Ambry Genetics
Classification: Uncertain significance for Inborn genetic diseases. Last evaluated: 2024-12-16. Review status: criteria provided, single submitter. Criteria: Ambry Variant Classification Scheme 2023. Collection method: clinical testing. Allele origin: germline.

Labcorp Genetics (formerly Invitae), Labcorp
Classification: Uncertain significance. Last evaluated: 2022-05-30. Review status: criteria provided, single submitter. Criteria: Invitae Variant Classification Sherloc (09022015). Collection method: clinical testing. Allele origin: germline.
Comment: This sequence change replaces valine, which is neutral and non-polar, with methionine, which is neutral and non-polar, at codon 2109 of the NBAS protein (p.Val2109Met). This variant is present in population databases (rs779617869, gnomAD 0.003%). This variant has not been reported in the literature in individuals affected with NBAS-related conditions. ClinVar contains an entry for this variant (Variation ID: 1413595). Algorithms developed to predict the effect of missense changes on protein structure and function are either unavailable or do not agree on the potential impact of this missense change (SIFT: "Deleterious"; PolyPhen-2: "Possibly Damaging"; Align-GVGD: "Class C15"). In summary, the available evidence is currently insufficient to determine the role of this variant in disease. Therefore, it has been classified as a Variant of Uncertain Significance.